The following is an entry in ClinVar:

ClinVar aggregate classification (germline): Benign. Review status: criteria provided, multiple submitters, no conflicts (2 of 4 stars). 11 submissions from 10 submitters: Benign (11). Last evaluated 2026-02-04.

Conditions:
Osteogenesis imperfecta type I (OI1). Also called: OI, TYPE I; OSTEOGENESIS IMPERFECTA TARDA; OSTEOGENESIS IMPERFECTA WITH BLUE SCLERAE; Osteogenesis imperfecta type 1; Lobstein's Disease; Lobstein disease. Identifiers: Orphanet 216796, Orphanet 666, MedGen C0023931, MONDO:0008146, OMIM 166200. Disease mechanism: loss of function.
Ehlers-Danlos syndrome, classic type, 1 (EDSCL1). Also called: Ehlers-Danlos Syndrome, Classic Type, COL5A1-Related; EHLERS-DANLOS SYNDROME, GRAVIS TYPE; EHLERS-DANLOS SYNDROME, SEVERE CLASSIC TYPE; Ehlers-Danlos syndrome, type 1; EDS I. Identifiers: MedGen C0268335, MONDO:0019567, OMIM 130000.
Ehlers-Danlos syndrome, arthrochalasia type, 2. Also called: EHLERS-DANLOS SYNDROME, TYPE VIIB, AUTOSOMAL DOMINANT. Identifiers: MedGen CN293783, MONDO:0040501, OMIM 617821.
Cardiovascular phenotype. Identifiers: MedGen CN230736.
Osteogenesis imperfecta (OI). Identifiers: Orphanet 666, MedGen C0029434, MeSH D010013, MONDO:0019019.

Allele frequency attached by ClinVar (database versions not stated): gnomAD exomes 0.13617 and 0.16452; ExAC 0.17443; gnomAD 0.24635 and 0.25224; ESP Exome Variant Server 0.25204; TOPMed 0.26719; 1000 Genomes Project 0.30431; 1000 Genomes Project 30x 0.30543.
gnomAD v4.1: 230,419 of 1,560,246 alleles (15%); highest among the groups gnomAD compares: African/African-American, 52%; 24,919 homozygotes.

Submissions (11):

Labcorp Genetics (formerly Invitae), Labcorp
Classification: Benign for Osteogenesis imperfecta type I; Ehlers-Danlos syndrome, classic type, 1. Last evaluated: 2026-02-04. Review status: criteria provided, single submitter. Criteria: Invitae Variant Classification Sherloc (09022015). Collection method: clinical testing. Allele origin: germline.

Blueprint Genetics
Classification: Benign. Last evaluated: 2024-11-27. Review status: criteria provided, single submitter. Criteria: ACMG Guidelines, 2015. Collection method: clinical testing. Allele origin: germline.

Mayo Clinic Laboratories, Mayo Clinic
Classification: Benign. Last evaluated: 2019-03-13. Review status: criteria provided, single submitter. Criteria: ACMG Guidelines, 2015. Collection method: clinical testing. Allele origin: germline. Observed: 1,129 variant alleles.

Ambry Genetics
Classification: Benign for Cardiovascular phenotype. Last evaluated: 2018-12-04. Review status: criteria provided, single submitter. Criteria: Ambry Variant Classification Scheme 2023. Collection method: clinical testing. Allele origin: germline.

Illumina Laboratory Services, Illumina
Classification: Benign for Ehlers-Danlos syndrome, arthrochalasia type, 2. Last evaluated: 2018-01-13. Review status: criteria provided, single submitter. Criteria: ICSL Variant Classification Criteria 13 December 2019. Collection method: clinical testing. Allele origin: germline.
Comment: This variant was observed in the ICSL laboratory as part of a predisposition screen in an ostensibly healthy population. It had not been previously curated by ICSL or reported in the Human Gene Mutation Database (HGMD: prior to June 1st, 2018), and was therefore a candidate for classification through an automated scoring system. Utilizing variant allele frequency, disease prevalence and penetrance estimates, and inheritance mode, an automated score was calculated to assess if this variant is too frequent to cause the disease. Based on the score and internal cut-off values, a variant classified as benign is not then subjected to further curation. The score for this variant resulted in a classification of benign for this disease.

Illumina Laboratory Services, Illumina
Classification: Benign for Osteogenesis imperfecta. Last evaluated: 2018-01-13. Review status: criteria provided, single submitter. Criteria: ICSL Variant Classification Criteria 13 December 2019. Collection method: clinical testing. Allele origin: germline.
Comment: the same text as in the submission from Illumina Laboratory Services, Illumina above.

Athena Diagnostics
Classification: Benign. Last evaluated: 2017-07-28. Review status: criteria provided, single submitter. Criteria: Athena Diagnostics Criteria. Collection method: clinical testing. Allele origin: germline.

GeneDx
Classification: Benign. Last evaluated: 2016-03-03. Review status: criteria provided, single submitter. Criteria: GeneDx Variant Classification (06012015). Collection method: clinical testing. Allele origin: germline. Affected: yes.
Comment: This variant is considered likely benign or benign based on one or more of the following criteria: it is a conservative change, it occurs at a poorly conserved position in the protein, it is predicted to be benign by multiple in silico algorithms, and/or has population frequency not consistent with disease.

Eurofins Ntd Llc (ga)
Classification: Benign. Last evaluated: 2015-06-22. Review status: criteria provided, single submitter. Criteria: EGL Classification Definitions 2015. Collection method: clinical testing. Allele origin: germline. Observed: 2 variant alleles, 1 heterozygote, 1 homozygote.

Breakthrough Genomics
Classification: Benign. Review status: criteria provided, single submitter. Criteria: ACMG Guidelines, 2015. Collection method: not provided. Allele origin: germline. Inheritance: Autosomal recessive inheritance. Affected: yes.

PreventionGenetics, part of Exact Sciences
Classification: Benign. Review status: criteria provided, single submitter. Criteria: ACMG Guidelines, 2015. Collection method: clinical testing. Allele origin: germline.

NM_000089.4(COL1A2):c.246T>C (p.Asp82=)

Gene: COL1A2 (collagen type I alpha 2 chain; plus strand). Cytogenetic location: 7q21.3.
Variant type: single nucleotide variant.
Coding change: c.246T>C on transcript NM_000089.4 (MANE Select); coding-DNA position 246, T replaced by C.
Protein change: p.Asp82=; no amino-acid change (aspartic acid 82 retained).
Molecular consequence: synonymous variant.
Genome position (GRCh38, 1-based): chr7:94,401,587, T>C. VCF-style: chr7-94401587-T-C. GRCh37 (hg19) VCF-style: chr7-94030899-T-C.
Other names: p.Asp82=.
Identifiers: ClinVar variation 254955 (VCV000254955.24), dbSNP rs1800222, ClinGen allele CA4346587.